The following is an entry in ClinVar:

NM_004960.4(FUS):c.937-6C>T

Gene: FUS (FUS RNA binding protein; plus strand). Cytogenetic location: 16p11.2.
Variant type: single nucleotide variant.
Coding change: c.937-6C>T on transcript NM_004960.4 (MANE Select); 6 bases into the intron before coding-DNA position 937, C replaced by T.
Molecular consequence: intron variant.
Genome position (GRCh38, 1-based): chr16:31,189,659, C>T. VCF-style: chr16-31189659-C-T. GRCh37 (hg19) VCF-style: chr16-31200980-C-T.
Other names: c.925-6C>T (NM_001170937.1); c.934-6C>T (NM_001170634.1).
Identifiers: ClinVar variation 3044701 (VCV003044701.4), dbSNP rs955597548, ClinGen allele CA280600321.
Genomic context (GRCh38, chr16:31,189,659, plus strand): 5'-GGAAGAAGATGGAAAGGGAGTACTGTAGCCTTTAAAATTGATGTTACCTCATTTTGCTTT[C>T]TTCAGACAAACAAGAAAACGGGACAGCCCATGATTAATTTGTACACAGACAGGGAAACTG-3'

ClinVar aggregate classification (germline): Likely benign. Review status: criteria provided, single submitter (1 of 4 stars). 2 submissions from 2 submitters: Likely benign (1). 1 of the submissions does not count toward it. Last evaluated 2024-04-06.

Conditions:
FUS-related disorder. Also called: FUS-related condition.
Amyotrophic lateral sclerosis type 6. Also called: Amyotrophic lateral sclerosis 6, with or without frontotemporal dementia; FUS-Related Amyotrophic Laterial Sclerosis; AMYOTROPHIC LATERAL SCLEROSIS 6 WITHOUT FRONTOTEMPORAL DEMENTIA. Identifiers: Orphanet 275872, Orphanet 803, MedGen C2931786, MONDO:0011951, OMIM 608030.
Tremor, hereditary essential, 4 (ETM4). Identifiers: MedGen C3539195, MONDO:0013888, OMIM 614782.

gnomAD v4.1: 2 of 1,614,134 alleles (0.00012%); highest among the groups gnomAD compares: South Asian, 0.0011%; no homozygotes.

Submissions (2):

Labcorp Genetics (formerly Invitae), Labcorp
Classification: Likely benign for Tremor, hereditary essential, 4; Amyotrophic lateral sclerosis type 6. Last evaluated: 2024-04-06. Review status: criteria provided, single submitter. Criteria: Invitae Variant Classification Sherloc (09022015). Collection method: clinical testing. Allele origin: germline.

PreventionGenetics, part of Exact Sciences
Classification: Likely benign for FUS-related condition. Last evaluated: 2023-05-17. Review status: no assertion criteria provided. Collection method: clinical testing. Allele origin: germline. Not counted in ClinVar's aggregate classification.
Comment: This variant is classified as likely benign based on ACMG/AMP sequence variant interpretation guidelines (Richards et al. 2015 PMID: 25741868, with internal and published modifications).